The following is an entry in ClinVar:

ClinVar aggregate classification (germline): Uncertain significance. Review status: criteria provided, multiple submitters, no conflicts (2 of 4 stars). 3 submissions from 3 submitters: Uncertain significance (3). Last evaluated 2025-10-08.

Conditions:
Ataxia-telangiectasia-like disorder (ATLD). Identifiers: MedGen C1858391, MONDO:0011457.
Hereditary cancer-predisposing syndrome. Also called: Hereditary Cancer Syndrome; Neoplastic Syndromes, Hereditary; Tumor predisposition; Hereditary neoplastic syndrome. Identifiers: Orphanet 140162, MedGen C0027672, MeSH D009386, MONDO:0015356.

Allele frequency attached by ClinVar (database versions not stated): TOPMed below 0.00001; gnomAD exomes 0.00001.
gnomAD v4.1: 7 of 1,614,132 alleles (0.00043%); highest among the groups gnomAD compares: Non-Finnish European, 0.00059%; no homozygotes.

Submissions (3):

Labcorp Genetics (formerly Invitae), Labcorp
Classification: Uncertain significance for Ataxia-telangiectasia-like disorder. Last evaluated: 2025-10-08. Review status: criteria provided, single submitter. Criteria: Invitae Variant Classification Sherloc (09022015). Collection method: clinical testing. Allele origin: germline.
Comment: This sequence change replaces methionine, which is neutral and non-polar, with threonine, which is neutral and polar, at codon 675 of the MRE11 protein (p.Met675Thr). This variant is present in population databases (no rsID available, gnomAD 0.0009%). This variant has not been reported in the literature in individuals affected with MRE11-related conditions. ClinVar contains an entry for this variant (Variation ID: 479773). An algorithm developed to predict the effect of missense changes on protein structure and function outputs the following: PolyPhen-2: "Benign". The threonine amino acid residue is found in multiple mammalian species, which suggests that this missense change does not adversely affect protein function. In summary, the available evidence is currently insufficient to determine the role of this variant in disease. Therefore, it has been classified as a Variant of Uncertain Significance.

Quest Diagnostics Nichols Institute San Juan Capistrano
Classification: Uncertain significance. Last evaluated: 2024-04-17. Review status: criteria provided, single submitter. Criteria: Quest Diagnostics criteria. Collection method: clinical testing. Allele origin: unknown.

Ambry Genetics
Classification: Uncertain significance for Hereditary cancer-predisposing syndrome. Last evaluated: 2024-02-25. Review status: criteria provided, single submitter. Criteria: Ambry Variant Classification Scheme 2023. Collection method: clinical testing. Allele origin: germline.
Comment: The p.M675T variant (also known as c.2024T>C), located in coding exon 18 of the MRE11A gene, results from a T to C substitution at nucleotide position 2024. The methionine at codon 675 is replaced by threonine, an amino acid with similar properties. This amino acid position is not well conserved in available vertebrate species. In addition, this alteration is predicted to be tolerated by in silico analysis. Since supporting evidence is limited at this time, the clinical significance of this alteration remains unclear.

Literature cited by the submitters: PubMed 33471991 (cited by Quest Diagnostics Nichols Institute San Juan Capistrano).

NM_005591.4(MRE11):c.2024T>C (p.Met675Thr)

Gene: MRE11 (MRE11 double strand break repair nuclease; minus strand). Cytogenetic location: 11q21.
Variant type: single nucleotide variant.
Coding change: c.2024T>C on transcript NM_005591.4 (MANE Select); coding-DNA position 2024, T replaced by C.
Protein change: p.Met675Thr; replaces methionine 675 with threonine.
Molecular consequence: missense variant.
Genome position (GRCh38, 1-based): chr11:94,429,957, A>G on the plus strand (T>C on the coding strand, the complement: MRE11 is on the minus strand). VCF-style: chr11-94429957-A-G. GRCh37 (hg19) VCF-style: chr11-94163123-A-G.
Other names: c.2021T>C, p.Met674Thr (NM_001330347.2); c.1940T>C, p.Met647Thr (NM_005590.4); short protein forms M675T, M674T, M647T.
Identifiers: ClinVar variation 479773 (VCV000479773.14), dbSNP rs1173614760, ClinGen allele CA382373526.